The following is an entry in ClinVar:

NM_177438.3(DICER1):c.485_492del (p.Gly162fs)

Gene: DICER1 (dicer 1, ribonuclease III; minus strand). Cytogenetic location: 14q32.13.
Variant type: Deletion.
Coding change: c.485_492del on transcript NM_177438.3 (MANE Select); coding-DNA positions 485 to 492, 8 bases deleted (GTTACTTA; older notation c.485_492delGTTACTTA).
Protein change: p.Gly162fs; shifts the reading frame from glycine 162.
Molecular consequence: frameshift variant. On other transcripts: 5 prime UTR variant (1), non-coding transcript variant (6), intron variant (1).
Genome position (GRCh38, 1-based): chr14:95,130,139-95,130,146, TAAGTAAC deleted on the plus strand (GTTACTTA on the coding strand, the reverse complement: DICER1 is on the minus strand). VCF-style (leftmost placement, unchanged base first): chr14-95130138-ATAAGTAAC-A. GRCh37 (hg19) VCF-style: chr14-95596475-ATAAGTAAC-A.
Other names: c.485_492del, p.Gly162fs (NM_001195573.1, NM_001271282.3, NM_001291628.2 and 14 more transcripts); c.485_492delGTTACTTA, p.Gly162Valfs (NM_001395681.1); c.203_210del, p.Gly68fs (NM_001395686.1); c.80_87del, p.Gly27fs (NM_001395687.1, NM_001395688.1, NM_001395689.1 and 3 more transcripts); c.-1084_-1077del (NM_001395697.1); c.-20-63_-20-56del (NM_001395691.1); short protein forms G162fs, G68fs, G27fs.
Identifiers: ClinVar variation 1743577 (VCV001743577.2), dbSNP rs2543303455, ClinGen allele CA2580088956.

ClinVar aggregate classification (germline): Pathogenic (1 of 4 stars; one submission).

Conditions:
Hereditary cancer-predisposing syndrome. Also called: Hereditary Cancer Syndrome; Neoplastic Syndromes, Hereditary; Tumor predisposition; Hereditary neoplastic syndrome. Identifiers: Orphanet 140162, MedGen C0027672, MeSH D009386, MONDO:0015356.

Submission:

Ambry Genetics
Classification: Pathogenic for Hereditary cancer-predisposing syndrome. Last evaluated: 2017-10-10. Review status: criteria provided, single submitter. Criteria: Ambry Variant Classification Scheme 2023. Collection method: clinical testing. Allele origin: germline.
Comment: The c.485_492delGTTACTTA pathogenic mutation, located in coding exon 4 of the DICER1 gene, results from a deletion of 8 nucleotides at nucleotide positions 485 to 492, causing a translational frameshift with a predicted alternate stop codon (p.G162Vfs*6). This alteration is expected to result in loss of function by premature protein truncation or nonsense-mediated mRNA decay. As such, this alteration is interpreted as a disease-causing mutation.